The following is an entry in ClinVar:

NM_001365951.3(KIF1B):c.299G>T (p.Gly100Val)

Gene: KIF1B (kinesin family member 1B; plus strand). Cytogenetic location: 1p36.22.
Variant type: single nucleotide variant.
Coding change: c.299G>T on transcript NM_001365951.3 (MANE Select); coding-DNA position 299, G replaced by T.
Protein change: p.Gly100Val; replaces glycine 100 with valine.
Molecular consequence: missense variant.
Genome position (GRCh38, 1-based): chr1:10,258,608, G>T. VCF-style: chr1-10258608-G-T. GRCh37 (hg19) VCF-style: chr1-10318666-G-T.
Other names: c.299G>T, p.Gly100Val (NM_001365952.1, NM_001365953.1, NM_015074.3 and 1 more transcripts); short protein forms G100V.
Identifiers: ClinVar variation 2448720 (VCV002448720.2), dbSNP rs2523465822, ClinGen allele CA338325392.

ClinVar aggregate classification (germline): Uncertain significance (1 of 4 stars; one submission).

Submission:

Ambry Genetics
Classification: Uncertain significance. Last evaluated: 2022-12-03. Review status: criteria provided, single submitter. Criteria: Ambry Variant Classification Scheme 2023. Collection method: clinical testing. Allele origin: germline.
Comment: The p.G100V variant (also known as c.299G>T), located in coding exon 3 of the KIF1B gene, results from a G to T substitution at nucleotide position 299. The glycine at codon 100 is replaced by valine, an amino acid with dissimilar properties. This amino acid position is conserved. In addition, this alteration is predicted to be deleterious by in silico analysis. Since supporting evidence is limited at this time, the clinical significance of this alteration remains unclear.